The following is an entry in ClinVar:

NM_002890.3(RASA1):c.1300G>A (p.Gly434Arg)

Genes: CCNH (cyclin H; minus strand), RASA1 (RAS p21 protein activator 1; plus strand). Cytogenetic location: 5q14.3.
Variant type: single nucleotide variant.
Coding change: c.1300G>A on transcript NM_002890.3 (MANE Select); coding-DNA position 1300, G replaced by A.
Protein change: p.Gly434Arg; replaces glycine 434 with arginine.
Molecular consequence: missense variant. On other transcripts: intron variant (1).
Genome position (GRCh38, 1-based): chr5:87,353,203, G>A. VCF-style: chr5-87353203-G-A. GRCh37 (hg19) VCF-style: chr5-86649020-G-A.
Other names: c.769G>A, p.Gly257Arg (NM_022650.3); c.934-40408C>T (NM_001364075.2); short protein forms G257R, G434R.
Identifiers: ClinVar variation 1062163 (VCV001062163.10), dbSNP rs753506212, ClinGen allele CA3335703.

ClinVar aggregate classification (germline): Uncertain significance. Review status: criteria provided, multiple submitters, no conflicts (2 of 4 stars). 2 submissions from 2 submitters: Uncertain significance (2). Last evaluated 2024-07-23.

Conditions:
Capillary malformation-arteriovenous malformation syndrome. Also called: Capillary malformation-arteriovenous malformation. Identifiers: Orphanet 137667, MedGen C1842180, MONDO:0012016.
Cardiovascular phenotype. Identifiers: MedGen CN230736.

Allele frequency attached by ClinVar (database versions not stated): TOPMed below 0.00001; ExAC 0.00001.

Submissions (2):

Labcorp Genetics (formerly Invitae), Labcorp
Classification: Uncertain significance for Capillary malformation-arteriovenous malformation syndrome. Last evaluated: 2024-07-23. Review status: criteria provided, single submitter. Criteria: Invitae Variant Classification Sherloc (09022015). Collection method: clinical testing. Allele origin: germline.
Comment: This sequence change replaces glycine, which is neutral and non-polar, with arginine, which is basic and polar, at codon 434 of the RASA1 protein (p.Gly434Arg). This variant is present in population databases (rs753506212, gnomAD 0.0009%). This variant has not been reported in the literature in individuals affected with RASA1-related conditions. ClinVar contains an entry for this variant (Variation ID: 1062163). An algorithm developed to predict the effect of missense changes on protein structure and function (PolyPhen-2) suggests that this variant is likely to be disruptive. In summary, the available evidence is currently insufficient to determine the role of this variant in disease. Therefore, it has been classified as a Variant of Uncertain Significance.

Ambry Genetics
Classification: Uncertain significance for Cardiovascular phenotype. Last evaluated: 2024-06-30. Review status: criteria provided, single submitter. Criteria: Ambry Variant Classification Scheme 2023. Collection method: clinical testing. Allele origin: germline.
Comment: The p.G434R variant (also known as c.1300G>A), located in coding exon 9 of the RASA1 gene, results from a G to A substitution at nucleotide position 1300. The glycine at codon 434 is replaced by arginine, an amino acid with dissimilar properties. This amino acid position is conserved. In addition, this alteration is predicted to be deleterious by in silico analysis. Based on the available evidence, the clinical significance of this variant remains unclear.